The following is an entry in ClinVar:

ClinVar aggregate classification (germline): Pathogenic. Review status: criteria provided, single submitter (1 of 4 stars). 2 submissions from 2 submitters: Pathogenic (1). 1 of the submissions does not count toward it. Last evaluated 2023-10-13.

Conditions:
Familial thoracic aortic aneurysm and aortic dissection (TAAD). Also called: Thoracic aortic aneurysms and dissections. Identifiers: Orphanet 91387, MedGen C4707243, MONDO:0019625.

Submissions (2):

Labcorp Genetics (formerly Invitae), Labcorp
Classification: Pathogenic for Familial thoracic aortic aneurysm and aortic dissection. Last evaluated: 2023-10-13. Review status: criteria provided, single submitter. Criteria: Invitae Variant Classification Sherloc (09022015). Collection method: clinical testing. Allele origin: germline.
Comment: This sequence change affects an acceptor splice site in intron 5 of the TGFBR1 gene. It is expected to disrupt RNA splicing. Variants that disrupt the donor or acceptor splice site typically lead to a loss of protein function (PMID: 16199547), and loss-of-function variants in TGFBR1 are known to be pathogenic (PMID: 21358634). This variant is not present in population databases (gnomAD no frequency). Disruption of this splice site has been observed in individuals with thoracic aortic aneurysm and dissection (PMID: 29543232; Invitae). ClinVar contains an entry for this variant (Variation ID: 517136). Algorithms developed to predict the effect of sequence changes on RNA splicing suggest that this variant may disrupt the consensus splice site. For these reasons, this variant has been classified as Pathogenic.

Centre for Genomic and Experimental Medicine, University of Edinburgh
Classification: Likely pathogenic for Familial thoracic aortic aneurysm and aortic dissection. Review status: no assertion criteria provided. Collection method: research. Allele origin: unknown. Affected: yes. Not counted in ClinVar's aggregate classification.

Literature cited by the submitters: PubMed 16199547 (cited by Labcorp Genetics (formerly Invitae), Labcorp); PubMed 21358634 (cited by Labcorp Genetics (formerly Invitae), Labcorp); PubMed 29543232 (cited by Labcorp Genetics (formerly Invitae), Labcorp).

NM_004612.4(TGFBR1):c.974-2A>G

Gene: TGFBR1 (transforming growth factor beta receptor 1; plus strand). Cytogenetic location: 9q22.33.
Variant type: single nucleotide variant.
Coding change: c.974-2A>G on transcript NM_004612.4 (MANE Select); the canonical splice acceptor site of the intron before coding-DNA position 974, A replaced by G.
Molecular consequence: splice acceptor variant.
Genome position (GRCh38, 1-based): chr9:99,144,730, A>G. VCF-style: chr9-99144730-A-G. GRCh37 (hg19) VCF-style: chr9-101907012-A-G.
Other names: c.779-2A>G (NM_001407418.1, NM_001407419.1, NM_001407422.1 and 1 more transcripts); c.767-2A>G (NM_001407423.1, NM_001407424.1, NM_001407425.1 and 8 more transcripts); c.986-2A>G (NM_001306210.2); c.818-2A>G (NM_001407416.1); c.806-2A>G (NM_001407417.1); c.743-2A>G (NM_001407435.1, NM_001130916.3); c.728-2A>G (NM_001407436.1); c.497-2A>G (NM_001407438.1); and 1 more.
Identifiers: ClinVar variation 517136 (VCV000517136.4), dbSNP rs1554701881, ClinGen allele CA374231179.